The following is an entry in ClinVar:

NM_001267550.2(TTN):c.104092C>T (p.Arg34698Ter)

Genes: TTN (titin; minus strand), TTN-AS1 (TTN antisense RNA 1; plus strand). Cytogenetic location: 2q31.2.
Variant type: single nucleotide variant.
Coding change: c.104092C>T on transcript NM_001267550.2 (MANE Select); coding-DNA position 104092, C replaced by T.
Protein change: p.Arg34698Ter; replaces arginine 34698 with a stop codon.
Molecular consequence: nonsense.
Genome position (GRCh38, 1-based): chr2:178,532,523, G>A on the plus strand (C>T on the coding strand, the complement: TTN is on the minus strand). VCF-style: chr2-178532523-G-A. GRCh37 (hg19) VCF-style: chr2-179397250-G-A.
Other names: c.99169C>T, p.Arg33057Ter (NM_001256850.1); c.76897C>T, p.Arg25633Ter (NM_003319.4); c.96388C>T, p.Arg32130Ter (NM_133378.4); c.77272C>T, p.Arg25758Ter (NM_133432.3); c.77473C>T, p.Arg25825Ter (NM_133437.4); c.104092C>T (LRG_391t1); short protein forms R32130*, R34698*, R25633*, R25758*, R25825*, R33057*.
Identifiers: ClinVar variation 167754 (VCV000167754.22), dbSNP rs727504184, ClinGen allele CA235027.

ClinVar aggregate classification (germline): Likely pathogenic. Review status: criteria provided, multiple submitters, no conflicts (2 of 4 stars). 8 submissions from 8 submitters: Likely pathogenic (7). 1 of the submissions does not count toward it. Last evaluated 2026-06-25.

Conditions:
Cardiovascular phenotype. Identifiers: MedGen CN230736.
TTN-related disorder. Also called: TTN-related condition; TTN-related disease; TTN-related disorders.
Autosomal recessive limb-girdle muscular dystrophy type 2J (LGMDR10). Also called: Limb-girdle muscular dystrophy, type 2J; MUSCULAR DYSTROPHY, LIMB-GIRDLE, AUTOSOMAL RECESSIVE 10. Identifiers: Orphanet 140922, MedGen C1837342, MONDO:0012127, OMIM 608807.
Dilated cardiomyopathy 1G (CMD1G). Identifiers: Orphanet 154, MedGen C1858763, MONDO:0011400, OMIM 604145.
Myopathy, myofibrillar, 9, with early respiratory failure (MFM9). Also called: MYOPATHY, PROXIMAL, WITH EARLY RESPIRATORY MUSCLE INVOLVEMENT; Hereditary myopathy with early respiratory failure; Myopathy, distal, with early respiratory failure, autosomal dominant; EDSTROM MYOPATHY. Identifiers: Orphanet 178464, Orphanet 34521, MedGen C1863599, MONDO:0011362, OMIM 603689.
Tibial muscular dystrophy (TMD). Also called: Tibial muscular dystrophy, tardive; Udd Distal Myopathy – Tibial Muscular Dystrophy; UDD MYOPATHY. Identifiers: Orphanet 609, MedGen C1838244, MONDO:0010870, OMIM 600334.
Hypertrophic cardiomyopathy 9. Also called: Familial hypertrophic cardiomyopathy 9. Identifiers: MedGen C1861065, MONDO:0013412, OMIM 613765.
Early-onset myopathy with fatal cardiomyopathy (CMYO5). Also called: CONGENITAL MYOPATHY 5 WITH CARDIOMYOPATHY; Salih Myopathy. Identifiers: Orphanet 289377, MedGen C2673677, MONDO:0012714, OMIM 611705. Disease mechanism: loss of function.
Primary dilated cardiomyopathy (DCM). Also called: Dilated Cardiomyopathy. Identifiers: Orphanet 217604, MedGen C0007193, MeSH D002311, MONDO:0005021, HP:0001644. Inheritance: Various modes of inheritance.

Allele frequency attached by ClinVar (database versions not stated): gnomAD 0.00001; TOPMed 0.00001.
gnomAD v4.1: 3 of 1,613,838 alleles (0.00019%); highest among the groups gnomAD compares: African/African-American, 0.0013%; no homozygotes.

Submissions (8):

Ambry Genetics
Classification: Likely pathogenic for Cardiovascular phenotype. Last evaluated: 2026-06-25. Review status: criteria provided, single submitter. Criteria: Ambry Variant Classification Scheme 2023. Collection method: clinical testing. Allele origin: germline.
Comment: The c.76897C>T (p.R25633*) alteration, located in exon 186 (coding exon 185) of the TTN gene, consists of a C to T substitution at nucleotide position 76897. This changes the amino acid from an arginine (R) to a stop codon at amino acid position 25633. This variant is expected to result in loss of function by premature protein truncation or nonsense-mediated mRNA decay. Based on data from gnomAD, the T allele has an overall frequency of <0.001% (1/249172) total alleles studied. The highest observed frequency was 0.007% (1/15484) of African alleles. This variant was reported in individual(s) with features consistent with dilated cardiomyopathy (Ambry internal data). This variant (referred to as p.R32130X, c.96388C>T) was also detected in compound heterozygosity with a TTN frameshift variant in a family with arthrogryposis multiplex congenita (Laqu&eacute;rriere, 2014). This exon is located in the M-band region of the N2-B isoform of the titin protein and is constitutively expressed in TTN transcripts (percent spliced in or PSI 100%). While truncating variants in TTN are present in 1-3% of the general population, truncating variants in the M-band have been reported in association with autosomal recessive titinopathies, primarily presenting with skeletal myopathy phenotypes (Ceyhan-Birsoy, 2013; De Cid, 2015). Truncating variants in coding exon 185 of the M-band of the N2-B isoform have also been specifically associated with autosomal dominant dilated cardiomyopathy (Vatta, 2025). More generally, TTN truncating variants encoded in constitutive exons (PSI >90%) have been found to be significantly associated with dilated cardiomyopathy (DCM) regardless of their position, although truncating variants in the A-band are the most common cause of DCM (Herman, 2012; Roberts, 2015; Schafer, 2017; Akhtar, 2020; Massier, 2025). Based on the available evidence, this alteration is classified as likely pathogenic.

Fulgent Genetics
Classification: Likely pathogenic for Tibial muscular dystrophy; Myopathy, myofibrillar, 9, with early respiratory failure; Dilated cardiomyopathy 1G; Autosomal recessive limb-girdle muscular dystrophy type 2J; Early-onset myopathy with fatal cardiomyopathy; Hypertrophic cardiomyopathy 9. Last evaluated: 2024-03-11. Review status: criteria provided, single submitter. Criteria: ACMG Guidelines, 2015. Collection method: clinical testing. Allele origin: germline.

Rady Children's Institute for Genomic Medicine, Rady Children's Hospital San Diego
Classification: Likely pathogenic for TTN-Related Disorders. Last evaluated: 2024-03-02. Review status: criteria provided, single submitter. Criteria: ACMG Guidelines, 2015. Collection method: clinical testing. Allele origin: germline. Affected: yes.
Comment: This nonsense variant found in exon 358 of 363 is predicted to result in loss of normal protein function through either protein truncation or nonsense-mediated mRNA decay. Loss-of-function variation in TTN is an established mechanism of disease (PMID: 22335739, 25589632). This variant has been previously reported as a heterozygous and compound heterozygous change in individuals with cardiac findings (PMID: 33820833, 25589632) as well as a compound heterozygous change in one individual with non-syndromic arthrogryposis multiplex congenita (PMID: 24319099). The c.104092C>T (p.Arg34698Ter) variant is present in the heterozygous state in the gnomAD v4 population database at a frequency of 0.0002% (3/1613838), and is absent in the homozygous state, thus is presumed to be rare. Based on the available evidence, c.104092C>T (p.Arg34698Ter) is classified as Likely Pathogenic.

Labcorp Genetics (formerly Invitae), Labcorp
Classification: Likely pathogenic for Dilated cardiomyopathy 1G; Autosomal recessive limb-girdle muscular dystrophy type 2J. Last evaluated: 2023-12-06. Review status: criteria provided, single submitter. Criteria: Invitae Variant Classification Sherloc (09022015). Collection method: clinical testing. Allele origin: germline.
Comment: This sequence change creates a premature translational stop signal (p.Arg34698*) in the TTN gene. While this is not anticipated to result in nonsense mediated decay, it is expected to create a truncated TTN protein. This variant is present in population databases (rs727504184, gnomAD 0.007%). This premature translational stop signal has been observed in individual(s) with autosomal recessive arthrogryposis multiplex congenita (PMID: 24319099, 33820833). This variant is also known as c.C96388T (p.R32130X). ClinVar contains an entry for this variant (Variation ID: 167754). This variant is located in the M band of TTN (PMID: 25589632). Truncating variants in this region have been previously reported in individuals affected with autosomal recessive myopathy and muscular dystrophy (PMID: 18948003, 23975875, 24395473). Truncating variants in this region have also been identified in individuals affected with autosomal dominant dilated cardiomyopathy and/or cardio-related conditions (PMID: 27869827, 32964742). In summary, the currently available evidence indicates that the variant is pathogenic, but additional data are needed to prove that conclusively. Therefore, this variant has been classified as Likely Pathogenic.

Revvity Omics, Revvity
Classification: Likely pathogenic. Last evaluated: 2019-10-04. Review status: criteria provided, single submitter. Criteria: ACMG Guidelines, 2015. Collection method: clinical testing. Allele origin: germline.

Laboratory for Molecular Medicine, Mass General Brigham Personalized Medicine
Classification: Likely pathogenic for Primary dilated cardiomyopathy. Last evaluated: 2019-01-25. Review status: criteria provided, single submitter. Criteria: ACMG Guidelines, 2015. Collection method: clinical testing. Allele origin: germline.
Comment: The p.Arg32130X variant in TTN has not been reported in individuals with TTN-associated diseases, such as dilated cardiomyopathy and neuromuscular conditions but has been identified in 1/15484 of African chromosomes by gnomAD. It has been reported in the compound heterozygous state with another loss-of-function variant in TTN in an individual with arthrogryposis multiplex congenita (AMC); however, the role of TTN variants in AMC is not well defined (Laquerriere 2014). It has been reported by clinical laboratories in ClinVar (variation ID #167754). This nonsense variant leads to a premature termination codon at position 32130, which is predicted to lead to a truncated or absent protein. TTN truncating variants located in exons that are highly expressed in the heart are strongly associated with autosomal dominant DCM, particularly if they are located in the A-band (Herman 2012, Pugh 2014, Roberts 2015). In addition, TTN variants have also been associated with myopathies and other neuromuscular conditions, which usually have autosomal recessive inheritance (Savarese 2016). The p.Arg32130X variant is located in a highly expressed exon in the M-band. In summary, although additional studies are required to fully establish its clinical significance, this variant meets criteria to be classified as likely pathogenic for TTN-associated diseases. ACMG/AMP Criteria applied: PVS1, PM2.

Eurofins Ntd Llc (ga)
Classification: Likely pathogenic. Last evaluated: 2014-03-06. Review status: criteria provided, single submitter. Criteria: EGL Classification Definitions. Collection method: clinical testing. Allele origin: germline. Observed: 1 variant allele, 1 heterozygote.

Cardiovascular Biomedical Research Unit, Royal Brompton & Harefield NHS Foundation Trust
Classification: Uncertain significance for Primary dilated cardiomyopathy. Last evaluated: 2014-10-08. Review status: flagged submission. Criteria: Roberts et al. 2015. Collection method: research. Allele origin: germline. Inheritance: Autosomal dominant inheritance. Affected: no. Observed: 1 variant allele. Study: JHS cohort. Not counted in ClinVar's aggregate classification.
Comment: In the seven cohorts assessed, TTNtv were found in 14% of ambulant DCM, 22% end-stage or familial DCM, and 2% controls. Heterozygous nonsense, frameshift and canonical splice-disrupting variants found in constitutive and other highly utilised exons are highly likely to be pathogenic when identified in individuals with phenotypically confirmed DCM. TTNtv found incidentally in healthy individuals (excluding familial assessment of DCM relatives) are thought to have low penetrance, particularly when identified in exons that are not constitutively expressed in the heart.
ClinVar note: Reason: Older claim that does not account for recent evidence

Literature cited by the submitters: PubMed 22335739 (cited by Ambry Genetics); PubMed 23975875 (cited by Ambry Genetics and Labcorp Genetics (formerly Invitae), Labcorp); PubMed 24319099 (cited by 3 submitters); PubMed 25589632 (cited by 3 submitters); PubMed 26581302 (cited by Ambry Genetics); PubMed 27869827 (cited by Ambry Genetics and Labcorp Genetics (formerly Invitae), Labcorp); PubMed 32964742 (cited by Ambry Genetics and Labcorp Genetics (formerly Invitae), Labcorp); PubMed 39844436 (cited by Ambry Genetics); PubMed 39968638 (cited by Ambry Genetics); PubMed 33820833 (cited by Labcorp Genetics (formerly Invitae), Labcorp); PubMed 18948003 (cited by Labcorp Genetics (formerly Invitae), Labcorp); PubMed 24395473 (cited by Labcorp Genetics (formerly Invitae), Labcorp).